The following is an entry in ClinVar:

NM_006231.4(POLE):c.4138_4139insAGT (p.Ser1380Ter)

Gene: POLE (DNA polymerase epsilon, catalytic subunit; minus strand). Cytogenetic location: 12q24.33.
Variant type: Insertion.
Coding change: c.4138_4139insAGT on transcript NM_006231.4 (MANE Select); coding-DNA positions 4138 to 4139, AGT inserted.
Protein change: p.Ser1380Ter; replaces serine 1380 with a stop codon.
Molecular consequence: nonsense.
Genome position: GRCh38 VCF-style: chr12-132648939-G-GACT. GRCh37 (hg19) VCF-style: chr12-133225525-G-GACT.
Other names: short protein forms S1380*.
Identifiers: ClinVar variation 1040262 (VCV001040262.8), dbSNP rs2042349678, ClinGen allele CA2072988768.

ClinVar aggregate classification (germline): Pathogenic (1 of 4 stars; one submission).

Submission:

Labcorp Genetics (formerly Invitae), Labcorp
Classification: Pathogenic. Last evaluated: 2022-05-11. Review status: criteria provided, single submitter. Criteria: Invitae Variant Classification Sherloc (09022015). Collection method: clinical testing. Allele origin: germline.
Comment: For these reasons, this variant has been classified as Pathogenic. ClinVar contains an entry for this variant (Variation ID: 1040262). This variant has not been reported in the literature in individuals affected with POLE-related conditions. This variant is not present in population databases (gnomAD no frequency). This sequence change creates a premature translational stop signal (p.Ser1380*) in the POLE gene. It is expected to result in an absent or disrupted protein product. Loss-of-function variants in POLE are known to be pathogenic (PMID: 23230001, 25948378, 30503519).

Literature cited by the submitters: PubMed 23230001; PubMed 25948378; PubMed 30503519.